The following is an entry in ClinVar:

NM_000540.3(RYR1):c.890G>A (p.Gly297Asp)

Gene: RYR1 (ryanodine receptor 1; plus strand). Cytogenetic location: 19q13.2.
Variant type: single nucleotide variant.
Coding change: c.890G>A on transcript NM_000540.3 (MANE Select); coding-DNA position 890, G replaced by A.
Protein change: p.Gly297Asp; replaces glycine 297 with aspartic acid.
Molecular consequence: missense variant.
Genome position (GRCh38, 1-based): chr19:38,448,444, G>A. VCF-style: chr19-38448444-G-A. GRCh37 (hg19) VCF-style: chr19-38939084-G-A.
Other names: c.890G>A, p.Gly297Asp (NM_001042723.2); short protein forms G297D.
Identifiers: ClinVar variation 847277 (VCV000847277.6), dbSNP rs769904500, ClinGen allele CA405681951.

ClinVar aggregate classification (germline): Uncertain significance. Review status: criteria provided, multiple submitters, no conflicts (2 of 4 stars). 3 submissions from 3 submitters: Uncertain significance (3). Last evaluated 2024-08-13.

Conditions:
RYR1-related disorder. Also called: RYR1-related disorders; RYR1-related condition. Identifiers: MedGen CN239331.
Malignant hyperthermia, susceptibility to, 1 (MHS1). Also called: Anesthesia related hyperthermia; Malignant hyperpyrexia; Fulminating hyperpyrexia; Pharmacogenic myopathy; RYR1-Related Malignant Hyperthermia Susceptibility; Malignant hyperthermia suceptibility 1. Identifiers: Orphanet 423, MedGen C2930980, MONDO:0007783, OMIM 145600.

Allele frequency attached by ClinVar (database versions not stated): gnomAD exomes 0.00001; gnomAD 0.00002; TOPMed 0.00002.
gnomAD v4.1: 19 of 1,613,726 alleles (0.0012%); highest among the groups gnomAD compares: Non-Finnish European, 0.0016%; no homozygotes.

Submissions (3):

All of Us Research Program, National Institutes of Health
Classification: Uncertain significance for Malignant hyperthermia, susceptibility to, 1. Last evaluated: 2024-08-13. Review status: criteria provided, single submitter. Criteria: ACMG Guidelines, 2015. Collection method: clinical testing. Allele origin: germline. Inheritance: Autosomal dominant inheritance. Observed: 6 variant alleles, 6 heterozygotes.
Comment: This missense variant replaces glycine with aspartic acid at codon 297 of the RYR1 protein. Computational prediction suggests that this variant may have deleterious impact on protein structure and function (internally defined REVEL score threshold >= 0.7, PMID: 27666373). To our knowledge, functional studies have not been reported for this variant. This variant has not been reported in individuals affected with RYR1-related disorders in the literature. This variant has been identified in 3/282458 chromosomes in the general population by the Genome Aggregation Database (gnomAD). The available evidence is insufficient to determine the role of this variant in disease conclusively. Therefore, this variant is classified as a Variant of Uncertain Significance.

This study involves interpretation of variants in research participants for the purpose of population health screening. Participant phenotype was not available at the time of variant classification. Additional details can be found in publication PMID: 35346344, PMCID: PMC8962531

Color Diagnostics, LLC DBA Color Health
Classification: Uncertain significance for Malignant hyperthermia, susceptibility to, 1. Last evaluated: 2024-07-30. Review status: criteria provided, single submitter. Criteria: ACMG Guidelines, 2015. Collection method: clinical testing. Allele origin: germline.
Comment: This missense variant replaces glycine with aspartic acid at codon 297 of the RYR1 protein. Computational prediction suggests that this variant may have deleterious impact on protein structure and function. To our knowledge, functional studies have not been reported for this variant. This variant has not been reported in individuals affected with RYR1-related disorders in the literature. This variant has been identified in 3/282458 chromosomes in the general population by the Genome Aggregation Database (gnomAD). The available evidence is insufficient to determine the role of this variant in disease conclusively. Therefore, this variant is classified as a Variant of Uncertain Significance.

Labcorp Genetics (formerly Invitae), Labcorp
Classification: Uncertain significance for RYR1-related disorder. Last evaluated: 2022-07-22. Review status: criteria provided, single submitter. Criteria: Invitae Variant Classification Sherloc (09022015). Collection method: clinical testing. Allele origin: germline.
Comment: This sequence change replaces glycine, which is neutral and non-polar, with aspartic acid, which is acidic and polar, at codon 297 of the RYR1 protein (p.Gly297Asp). This variant is present in population databases (no rsID available, gnomAD 0.002%). This variant has not been reported in the literature in individuals affected with RYR1-related conditions. ClinVar contains an entry for this variant (Variation ID: 847277). Algorithms developed to predict the effect of missense changes on protein structure and function are either unavailable or do not agree on the potential impact of this missense change (SIFT: "Deleterious"; PolyPhen-2: "Probably Damaging"; Align-GVGD: "Class C0"). In summary, the available evidence is currently insufficient to determine the role of this variant in disease. Therefore, it has been classified as a Variant of Uncertain Significance.